The following is an entry in ClinVar:

NM_014874.4(MFN2):c.1861G>A (p.Val621Ile)

Gene: MFN2 (mitofusin 2; plus strand). Cytogenetic location: 1p36.22.
Variant type: single nucleotide variant.
Coding change: c.1861G>A on transcript NM_014874.4 (MANE Select); coding-DNA position 1861, G replaced by A.
Protein change: p.Val621Ile; replaces valine 621 with isoleucine.
Molecular consequence: missense variant.
Genome position (GRCh38, 1-based): chr1:12,006,682, G>A. VCF-style: chr1-12006682-G-A. GRCh37 (hg19) VCF-style: chr1-12066739-G-A.
Other names: c.1861G>A, p.Val621Ile (NM_001127660.2); short protein forms V621I.
Identifiers: ClinVar variation 1000842 (VCV001000842.9), dbSNP rs1639433425, ClinGen allele CA338449626.

ClinVar aggregate classification (germline): Uncertain significance (1 of 4 stars; one submission).

Conditions:
Charcot-Marie-Tooth disease type 2. Also called: Charcot-Marie-Tooth type 2. Identifiers: Orphanet 64746, MedGen C0270914, MONDO:0018993.

Allele frequency attached by ClinVar (database versions not stated): gnomAD exomes below 0.00001.
gnomAD v4.1: 1 of 1,609,706 alleles (0.000062%); highest among the groups gnomAD compares: Non-Finnish European, 0.000085%; no homozygotes.

Submission:

Labcorp Genetics (formerly Invitae), Labcorp
Classification: Uncertain significance for Charcot-Marie-Tooth disease type 2. Last evaluated: 2023-12-18. Review status: criteria provided, single submitter. Criteria: Invitae Variant Classification Sherloc (09022015). Collection method: clinical testing. Allele origin: germline.
Comment: This sequence change replaces valine, which is neutral and non-polar, with isoleucine, which is neutral and non-polar, at codon 621 of the MFN2 protein (p.Val621Ile). This variant is not present in population databases (gnomAD no frequency). This variant has not been reported in the literature in individuals affected with MFN2-related conditions. ClinVar contains an entry for this variant (Variation ID: 1000842). Advanced modeling of protein sequence and biophysical properties (such as structural, functional, and spatial information, amino acid conservation, physicochemical variation, residue mobility, and thermodynamic stability) performed at Invitae indicates that this missense variant is not expected to disrupt MFN2 protein function with a negative predictive value of 80%. In summary, the available evidence is currently insufficient to determine the role of this variant in disease. Therefore, it has been classified as a Variant of Uncertain Significance.